The following is an entry in ClinVar:

ClinVar aggregate classification (germline): Uncertain significance (1 of 4 stars; one submission).

Submission:

GeneDx
Classification: Uncertain significance. Last evaluated: 2026-03-29. Review status: criteria provided, single submitter. Criteria: GeneDx Variant Classification Process June 2021. Collection method: clinical testing. Allele origin: germline.
Comment: Not observed at significant frequency in large population cohorts (gnomAD); In silico analysis supports that this missense variant has a deleterious effect on protein structure/function; Has not been previously published as pathogenic or benign to our knowledge

NM_001080517.3(SETD5):c.447G>C (p.Leu149Phe)

Gene: SETD5 (SET domain containing 5; plus strand). Cytogenetic location: 3p25.3.
Variant type: single nucleotide variant.
Coding change: c.447G>C on transcript NM_001080517.3 (MANE Select); coding-DNA position 447, G replaced by C.
Protein change: p.Leu149Phe; replaces leucine 149 with phenylalanine.
Molecular consequence: missense variant.
Genome position (GRCh38, 1-based): chr3:9,435,786, G>C. VCF-style: chr3-9435786-G-C. GRCh37 (hg19) VCF-style: chr3-9477470-G-C.
Other names: c.114G>C, p.Leu38Phe (NM_001292043.2, NM_001349451.2); c.504G>C, p.Leu168Phe (NM_001437633.1, NM_001437635.1); c.447G>C, p.Leu149Phe (NM_001437643.1, NM_001437701.1); short protein forms L149F, L168F, L38F.
Identifiers: ClinVar variation 5017553 (VCV005017553.1).